The following is an entry in ClinVar:

NM_001103.4(ACTN2):c.2541G>A (p.Ala847=)

Gene: ACTN2 (actinin alpha 2; plus strand). Cytogenetic location: 1q43.
Variant type: single nucleotide variant.
Coding change: c.2541G>A on transcript NM_001103.4 (MANE Select); coding-DNA position 2541, G replaced by A.
Protein change: p.Ala847=; no amino-acid change (alanine 847 retained).
Molecular consequence: synonymous variant.
Genome position (GRCh38, 1-based): chr1:236,762,475, G>A. VCF-style: chr1-236762475-G-A. GRCh37 (hg19) VCF-style: chr1-236925775-G-A.
Other names: p.Ala847=; c.2541G>A, p.Ala847= (NM_001278343.2); c.1917G>A, p.Ala639= (NM_001278344.2).
Identifiers: ClinVar variation 463205 (VCV000463205.17), dbSNP rs374278766, ClinGen allele CA1473488.
Genomic context (GRCh38, chr1:236,762,475, plus strand): 5'-TGGTGTTTCTGCAACTGACTGCAAACACGTGTGTATTTTTTCCCAGCCATACATCCTGGC[G>A]GAGGAGCTGCGTCGGGAGCTGCCCCCGGATCAGGCCCAGTACTGCATCAAGAGGATGCCC-3'
Protein context (NP_001094.1, residues 837-857): ILASDKPYIL[Ala847=]EELRRELPPD

ClinVar aggregate classification (germline): Benign/Likely benign. Review status: criteria provided, multiple submitters, no conflicts (2 of 4 stars). 6 submissions from 6 submitters: Benign (2); Likely benign (4). Last evaluated 2026-07-08.

Conditions:
ACTN2-related disorder. Also called: ACTN2 related condition; ACTN2-related disorders.
Cardiovascular phenotype. Identifiers: MedGen CN230736.
Primary familial hypertrophic cardiomyopathy (HCM). Identifiers: Orphanet 99739, MedGen C0949658, MeSH D024741, MONDO:0024573. Inheritance: Various modes of inheritance.
Dilated cardiomyopathy 1AA (CMD1AA). Also called: CARDIOMYOPATHY, DILATED, 1AA, WITH OR WITHOUT LEFT VENTRICULAR NONCOMPACTION; CARDIOMYOPATHY, FAMILIAL HYPERTROPHIC, 23, WITH OR WITHOUT LEFT VENTRICULAR NONCOMPACTION; Cardiomyopathy, dilated, 1AA, with or without LVNC. Identifiers: Orphanet 154, MedGen C2677338, MONDO:0012808, OMIM 612158.

Allele frequency attached by ClinVar (database versions not stated): gnomAD exomes 0.00003 and 0.00006; ExAC 0.00005; gnomAD 0.00008; TOPMed 0.00014; ESP Exome Variant Server 0.00015; 1000 Genomes Project 0.00020; 1000 Genomes Project 30x 0.00031.
gnomAD v4.1: 66 of 1,614,144 alleles (0.0041%); highest among the groups gnomAD compares: African/African-American, 0.012%; no homozygotes.

Submissions (6):

PreventionGenetics, part of Exact Sciences
Classification: Likely benign for ACTN2-related condition. Last evaluated: 2026-07-08. Review status: criteria provided, single submitter. Criteria: ACMG Guidelines, 2015. Collection method: clinical testing. Allele origin: germline.
Comment: This variant is classified as likely benign based on ACMG/AMP sequence variant interpretation guidelines (Richards et al. 2015 PMID: 25741868, with internal and published modifications).

Labcorp Genetics (formerly Invitae), Labcorp
Classification: Benign for Primary familial hypertrophic cardiomyopathy; Dilated cardiomyopathy 1AA. Last evaluated: 2026-01-20. Review status: criteria provided, single submitter. Criteria: Invitae Variant Classification Sherloc (09022015). Collection method: clinical testing. Allele origin: germline.

Mayo Clinic Laboratories, Mayo Clinic
Classification: Likely benign. Last evaluated: 2025-08-27. Review status: criteria provided, single submitter. Criteria: ACMG Guidelines, 2015. Collection method: clinical testing. Allele origin: germline. Observed: 1 variant allele.
Comment: BP4, BP7

Women's Health and Genetics/Laboratory Corporation of America, LabCorp
Classification: Benign. Last evaluated: 2020-10-19. Review status: criteria provided, single submitter. Criteria: LabCorp Variant Classification Summary - May 2015. Collection method: clinical testing. Allele origin: germline.

GeneDx
Classification: Likely benign. Last evaluated: 2019-01-22. Review status: criteria provided, single submitter. Criteria: GeneDx Variant Classification Process June 2021. Collection method: clinical testing. Allele origin: germline. Affected: yes.

Ambry Genetics
Classification: Likely benign for Cardiovascular phenotype. Last evaluated: 2018-12-29. Review status: criteria provided, single submitter. Criteria: Ambry Variant Classification Scheme 2023. Collection method: clinical testing. Allele origin: germline.